The following is an entry in ClinVar:

ClinVar aggregate classification (germline): Uncertain significance (1 of 4 stars; one submission).

Conditions:
Familial meningioma. Also called: Meningioma, familial, susceptibility to. Identifiers: Orphanet 263662, MedGen C3551915, MONDO:0011789, OMIM 607174.

Submission:

Labcorp Genetics (formerly Invitae), Labcorp
Classification: Uncertain significance for Familial meningioma. Last evaluated: 2025-06-11. Review status: criteria provided, single submitter. Criteria: Invitae Variant Classification Sherloc (09022015). Collection method: clinical testing. Allele origin: germline.
Comment: This sequence change replaces alanine, which is neutral and non-polar, with serine, which is neutral and polar, at codon 86 of the SMARCE1 protein (p.Ala86Ser). This variant is not present in population databases (gnomAD no frequency). This variant has not been reported in the literature in individuals affected with SMARCE1-related conditions. Invitae Evidence Modeling of protein sequence and biophysical properties (such as structural, functional, and spatial information, amino acid conservation, physicochemical variation, residue mobility, and thermodynamic stability) indicates that this missense variant is not expected to disrupt SMARCE1 protein function with a negative predictive value of 80%. In summary, the available evidence is currently insufficient to determine the role of this variant in disease. Therefore, it has been classified as a Variant of Uncertain Significance.

NM_003079.5(SMARCE1):c.256G>T (p.Ala86Ser)

Gene: SMARCE1 (SWI/SNF related BAF chromatin remodeling complex subunit E1; minus strand). Cytogenetic location: 17q21.2.
Variant type: single nucleotide variant.
Coding change: c.256G>T on transcript NM_003079.5 (MANE Select); coding-DNA position 256, G replaced by T.
Protein change: p.Ala86Ser; replaces alanine 86 with serine.
Molecular consequence: missense variant.
Genome position (GRCh38, 1-based): chr17:40,636,508, C>A on the plus strand (G>T on the coding strand, the complement: SMARCE1 is on the minus strand). VCF-style: chr17-40636508-C-A. GRCh37 (hg19) VCF-style: chr17-38792760-C-A.
Other names: short protein forms A86S.
Identifiers: ClinVar variation 4742386 (VCV004742386.1).